The following is an entry in ClinVar:

NM_007074.4(CORO1A):c.1281G>A (p.Ser427=)

Gene: CORO1A (coronin 1A; plus strand). Cytogenetic location: 16p11.2.
Variant type: single nucleotide variant.
Coding change: c.1281G>A on transcript NM_007074.4 (MANE Select); coding-DNA position 1281, G replaced by A.
Protein change: p.Ser427=; no amino-acid change (serine 427 retained).
Molecular consequence: synonymous variant.
Genome position (GRCh38, 1-based): chr16:30,188,576, G>A. VCF-style: chr16-30188576-G-A. GRCh37 (hg19) VCF-style: chr16-30199897-G-A.
Other names: c.1281G>A, p.Ser427= (NM_001193333.3).
Identifiers: ClinVar variation 1001473 (VCV001001473.7), dbSNP rs2073377701, ClinGen allele CA494620382.

ClinVar aggregate classification (germline): Uncertain significance (1 of 4 stars; one submission).

Conditions:
Severe combined immunodeficiency due to CORO1A deficiency. Also called: IMMUNODEFICIENCY 8 WITH LYMPHOPROLIFERATION; Immunodeficiency 8. Identifiers: Orphanet 228003, MedGen C3809383, MONDO:0014168, OMIM 615401.

Allele frequency attached by ClinVar (database versions not stated): gnomAD exomes below 0.00001.
gnomAD v4.1: 2 of 1,591,694 alleles (0.00013%); highest among the groups gnomAD compares: Non-Finnish European, 0.000086%; no homozygotes.

Submission:

Labcorp Genetics (formerly Invitae), Labcorp
Classification: Uncertain significance for Severe combined immunodeficiency due to CORO1A deficiency. Last evaluated: 2020-04-20. Review status: criteria provided, single submitter. Criteria: Invitae Variant Classification Sherloc (09022015). Collection method: clinical testing. Allele origin: germline.
Comment: In summary, the available evidence is currently insufficient to determine the role of this variant in disease. Therefore, it has been classified as a Variant of Uncertain Significance. Nucleotide substitutions within the consensus splice site are a relatively common cause of aberrant splicing (PMID: 17576681, 9536098). Algorithms developed to predict the effect of sequence changes on RNA splicing suggest that this variant may disrupt the consensus splice site, but this prediction has not been confirmed by published transcriptional studies. This variant has not been reported in the literature in individuals with CORO1A-related conditions. This variant is not present in population databases (ExAC no frequency). This sequence change affects codon 427 of the CORO1A mRNA. It is a 'silent' change, meaning that it does not change the encoded amino acid sequence of the CORO1A protein. This variant also falls at the last nucleotide of exon 10 of the CORO1A coding sequence, which is part of the consensus splice site for this exon.

Literature cited by the submitters: PubMed 17576681; PubMed 9536098.